The following is an entry in ClinVar:

NM_017780.4(CHD7):c.3023A>G (p.Tyr1008Cys)

Gene: CHD7 (chromodomain helicase DNA binding protein 7; plus strand). Cytogenetic location: 8q12.2.
Variant type: single nucleotide variant.
Coding change: c.3023A>G on transcript NM_017780.4 (MANE Select); coding-DNA position 3023, A replaced by G.
Protein change: p.Tyr1008Cys; replaces tyrosine 1008 with cysteine.
Molecular consequence: missense variant. On other transcripts: intron variant (1).
Genome position (GRCh38, 1-based): chr8:60,822,568, A>G. VCF-style: chr8-60822568-A-G. GRCh37 (hg19) VCF-style: chr8-61735127-A-G.
Other names: c.1717-39661A>G (NM_001316690.1); short protein forms Y1008C.
Identifiers: ClinVar variation 666808 (VCV000666808.13), dbSNP rs776900495, ClinGen allele CA4759878.

ClinVar aggregate classification (germline): Uncertain significance. Review status: criteria provided, multiple submitters, no conflicts (2 of 4 stars). 4 submissions from 4 submitters: Uncertain significance (4). Last evaluated 2021-10-05.

Conditions:
CHARGE syndrome (CHARGE). Also called: Coloboma, heart anomaly, choanal atresia, retardation, genital and ear anomalies; CHARGE association; Hall-Hittner syndrome; Hittner Hirsch Kreh syndrome; CHARGE ASSOCIATION--COLOBOMA, HEART ANOMALY, CHOANAL ATRESIA, RETARDATION, GENITAL AND EAR ANOMALIES. Identifiers: Orphanet 138, MedGen C0265354, MONDO:0008965.
Hypogonadotropic hypogonadism 5 with or without anosmia (KAL5). Also called: HYPOGONADOTROPIC HYPOGONADISM 5 WITH ANOSMIA; HYPOGONADOTROPHIC HYPOGONADISM 5 WITHOUT ANOSMIA; CHD7-Related GnRH Deficiency (Kallmann Syndrome 5). Identifiers: Orphanet 478, MedGen C3552553, MONDO:0012880, OMIM 612370. Disease mechanism: loss of function.
Inborn genetic diseases. Identifiers: MedGen C0950123, MeSH D030342.

Allele frequency attached by ClinVar (database versions not stated): gnomAD 0.00001; gnomAD exomes 0.00001 and 0.00002; ExAC 0.00002.
gnomAD v4.1: 10 of 1,613,484 alleles (0.00062%); highest among the groups gnomAD compares: South Asian, 0.0033%; no homozygotes.

Submissions (4):

Fulgent Genetics
Classification: Uncertain significance for CHD7-related CHARGE syndrome; Hypogonadotropic hypogonadism 5 with or without anosmia. Last evaluated: 2021-10-05. Review status: criteria provided, single submitter. Criteria: ACMG Guidelines, 2015. Collection method: clinical testing. Allele origin: unknown.

Ambry Genetics
Classification: Uncertain significance for Inborn genetic diseases. Last evaluated: 2021-08-31. Review status: criteria provided, single submitter. Criteria: Ambry Variant Classification Scheme 2023. Collection method: clinical testing. Allele origin: germline.
Comment: N/A Based on insufficient or conflicting evidence, the clinical significance of this alteration remains unclear.

Labcorp Genetics (formerly Invitae), Labcorp
Classification: Uncertain significance for CHARGE syndrome. Last evaluated: 2021-04-24. Review status: criteria provided, single submitter. Criteria: Invitae Variant Classification Sherloc (09022015). Collection method: clinical testing. Allele origin: germline.
Comment: This sequence change replaces tyrosine with cysteine at codon 1008 of the CHD7 protein (p.Tyr1008Cys). The tyrosine residue is highly conserved and there is a large physicochemical difference between tyrosine and cysteine. In summary, the available evidence is currently insufficient to determine the role of this variant in disease. Therefore, it has been classified as a Variant of Uncertain Significance. Algorithms developed to predict the effect of sequence changes on RNA splicing suggest that this variant may create or strengthen a splice site, but this prediction has not been confirmed by published transcriptional studies. Advanced modeling of protein sequence and biophysical properties (such as structural, functional, and spatial information, amino acid conservation, physicochemical variation, residue mobility, and thermodynamic stability) performed at Invitae indicates that this missense variant is expected to disrupt CHD7 protein function. This variant has not been reported in the literature in individuals with CHD7-related conditions. ClinVar contains an entry for this variant (Variation ID: 666808). This variant is present in population databases (rs776900495, ExAC 0.01%).

Laboratory for Molecular Medicine, Mass General Brigham Personalized Medicine
Classification: Uncertain significance. Last evaluated: 2018-04-10. Review status: criteria provided, single submitter. Criteria: LMM Criteria. Collection method: clinical testing. Allele origin: germline. Observed: 1 variant allele.
Comment: The p.Tyr1008Cys variant in CHD7 has not been previously reported in individuals with hearing loss or CHARGE syndrome. This variant is present in 5/246044 of t he total chromosomes in the Genome Aggregation Database (gnomAD; dbSNP rs776900495). Computational prediction tools and conser vation analysis do not provide strong support for or against an impact to the pr otein. In summary, the clinical significance of the p.Tyr1008Cys variant is unce rtain. ACMG/AMP Criteria applied: none.